The following is an entry in ClinVar:

NM_018834.6(MATR3):c.499C>T (p.Arg167Trp)

Gene: MATR3 (matrin 3; plus strand). Cytogenetic location: 5q31.2.
Variant type: single nucleotide variant.
Coding change: c.499C>T on transcript NM_018834.6 (MANE Select); coding-DNA position 499, C replaced by T.
Protein change: p.Arg167Trp; replaces arginine 167 with tryptophan.
Molecular consequence: missense variant. On other transcripts: intron variant (11).
Genome position (GRCh38, 1-based): chr5:139,307,914, C>T. VCF-style: chr5-139307914-C-T. GRCh37 (hg19) VCF-style: chr5-138643603-C-T.
Other names: p.Arg167Trp; c.-102-6761C>T (NM_001400460.1, NM_001282278.2, NM_001400464.1 and 3 more transcripts); c.-40-7783C>T (NM_001400462.1, NM_001400467.1); c.13-6761C>T (NM_001400461.1); c.49-6761C>T (NM_001194956.2); c.499C>T, p.Arg167Trp (NM_199189.3, NM_001194954.2, NM_001194955.2 and 16 more transcripts); c.52-6761C>T (NM_001400459.1); short protein forms R167W.
Identifiers: ClinVar variation 1693901 (VCV001693901.10), dbSNP rs138894013, ClinGen allele CA128744119.
Genomic context (GRCh38, chr5:139,307,914, plus strand): 5'-AGGAGGAGAACTGAAGAAGGCCCTACCTTGAGTTATGGTAGAGATGGCAGATCTGCTACA[C>T]GGGAGCCACCATACAGAGTACCTAGGGATGATTGGGAAGAAAAAAGGCACTTTAGAAGAG-3'
Protein context (NP_061322.2, residues 157-177): SYGRDGRSAT[Arg167Trp]EPPYRVPRDD

ClinVar aggregate classification (germline): Uncertain significance. Review status: criteria provided, multiple submitters, no conflicts (2 of 4 stars). 3 submissions from 3 submitters: Uncertain significance (3). Last evaluated 2025-11-25.

Conditions:
Neurodegeneration. Also called: Neurodegenerative disease; Neurodegenerative illness; neurodegenerative disorder. Identifiers: MedGen C0027746, MONDO:0005559, HP:0002180.
Amyotrophic lateral sclerosis type 21. Also called: VOCAL CORD AND PHARYNGEAL DYSFUNCTION WITH DISTAL MYOPATHY; MYOPATHY, DISTAL, 2. Identifiers: Orphanet 600, Orphanet 803, MedGen C3807521, MONDO:0011632, OMIM 606070.

Allele frequency attached by ClinVar (database versions not stated): TOPMed below 0.00001; ESP Exome Variant Server 0.00008.
gnomAD v4.1: 4 of 1,613,972 alleles (0.00025%); highest among the groups gnomAD compares: African/African-American, 0.004%; no homozygotes.

Submissions (3):

Labcorp Genetics (formerly Invitae), Labcorp
Classification: Uncertain significance for Amyotrophic lateral sclerosis type 21. Last evaluated: 2025-11-25. Review status: criteria provided, single submitter. Criteria: Invitae Variant Classification Sherloc (09022015). Collection method: clinical testing. Allele origin: germline.
Comment: This sequence change replaces arginine, which is basic and polar, with tryptophan, which is neutral and slightly polar, at codon 167 of the MATR3 protein (p.Arg167Trp). This variant is present in population databases (rs138894013, gnomAD 0.01%). This variant has not been reported in the literature in individuals affected with MATR3-related conditions. ClinVar contains an entry for this variant (Variation ID: 1693901). Invitae Evidence Modeling of protein sequence and biophysical properties (such as structural, functional, and spatial information, amino acid conservation, physicochemical variation, residue mobility, and thermodynamic stability) indicates that this missense variant is not expected to disrupt MATR3 protein function with a negative predictive value of 80%. In summary, the available evidence is currently insufficient to determine the role of this variant in disease. Therefore, it has been classified as a Variant of Uncertain Significance.

Molecular Genetics, Royal Melbourne Hospital
Classification: Uncertain significance for Neurodegeneration. Last evaluated: 2022-03-03. Review status: criteria provided, single submitter. Criteria: ACMG Guidelines, 2015. Collection method: clinical testing. Allele origin: germline.
Comment: This sequence change in MATR3 is predicted to replace arginine with tryptophan at codon 167, p.(Arg167Trp). The arginine residue is highly conserved (100 vertebrates, UCSC), and is not located in an annotated functional domain. There is a large physicochemical difference between arginine and tryptophan. The highest population minor allele frequency in gnomAD v2.1 is 0.02% (3/16,252 alleles) in the African/African American population, all absent from the controls cohort. To our knowledge, this variant has not been reported in the literature in any individuals with MATR3-related disease. Multiple lines of computational evidence have conflicting predictions for the missense substitution (2/6 algorithms predict benign). Based on the classification scheme RMH Modified ACMG Guidelines v1.4.0, this variant is classified as a VARIANT OF UNCERTAIN SIGNIFICANCE. Following criteria are met: PM2_Supporting.

Mayo Clinic Laboratories, Mayo Clinic
Classification: Uncertain significance. Last evaluated: 2021-10-11. Review status: criteria provided, single submitter. Criteria: ACMG Guidelines, 2015. Collection method: clinical testing. Allele origin: germline.